The following is an entry in ClinVar:

ClinVar aggregate classification (germline): Uncertain significance (1 of 4 stars; one submission).

Conditions:
Shprintzen-Goldberg syndrome (SGS). Also called: SHPRINTZEN-GOLDBERG CRANIOSYNOSTOSIS SYNDROME; CRANIOSYNOSTOSIS WITH ARACHNODACTYLY AND ABDOMINAL HERNIAS; Marfanoid disorder with craniosynostosis type 1; Marfanoid craniosynostosis syndrome; Shprintzen-Goldberg marfanoid syndrome. Identifiers: Orphanet 2462, MedGen C1321551, MONDO:0008426, OMIM 182212.

Submission:

Labcorp Genetics (formerly Invitae), Labcorp
Classification: Uncertain significance for Shprintzen-Goldberg syndrome. Last evaluated: 2023-02-25. Review status: criteria provided, single submitter. Criteria: Invitae Variant Classification Sherloc (09022015). Collection method: clinical testing. Allele origin: germline.
Comment: This sequence change falls in intron 2 of the SKI gene. It does not directly change the encoded amino acid sequence of the SKI protein. In summary, the available evidence is currently insufficient to determine the role of this variant in disease. Therefore, it has been classified as a Variant of Uncertain Significance. Algorithms developed to predict the effect of sequence changes on RNA splicing suggest that this variant may create or strengthen a splice site. This variant has not been reported in the literature in individuals affected with SKI-related conditions. This variant is not present in population databases (gnomAD no frequency).

NM_003036.4(SKI):c.1096-6C>G

Gene: SKI (SKI proto-oncogene; plus strand). Cytogenetic location: 1p36.32.
Variant type: single nucleotide variant.
Coding change: c.1096-6C>G on transcript NM_003036.4 (MANE Select); 6 bases into the intron before coding-DNA position 1096, C replaced by G.
Molecular consequence: intron variant.
Genome position (GRCh38, 1-based): chr1:2,303,279, C>G. VCF-style: chr1-2303279-C-G. GRCh37 (hg19) VCF-style: chr1-2234718-C-G.
Identifiers: ClinVar variation 2840853 (VCV002840853.3), dbSNP rs201304370, ClinGen allele CA2739272215.